The following is an entry in ClinVar:

NM_020975.6(RET):c.794A>G (p.Glu265Gly)

Gene: RET (ret proto-oncogene; plus strand). Cytogenetic location: 10q11.21.
Variant type: single nucleotide variant.
Coding change: c.794A>G on transcript NM_020975.6 (MANE Select); coding-DNA position 794, A replaced by G.
Protein change: p.Glu265Gly; replaces glutamic acid 265 with glycine.
Molecular consequence: missense variant. On other transcripts: intron variant (22).
Genome position (GRCh38, 1-based): chr10:43,105,120, A>G. VCF-style: chr10-43105120-A-G. GRCh37 (hg19) VCF-style: chr10-43600568-A-G.
Other names: c.32A>G, p.Glu11Gly (NM_001355216.2); c.794A>G, p.Glu265Gly (NM_001406743.1, NM_001406744.1, NM_001406759.1 and 6 more transcripts); c.665A>G, p.Glu222Gly (NM_001406761.1, NM_001406762.1, NM_001406764.1 and 2 more transcripts); c.506A>G, p.Glu169Gly (NM_001406766.1, NM_001406767.1, NM_001406770.1); c.625+2491A>G (NM_001406773.1, NM_001406771.1, NM_001406782.1 and 5 more transcripts); c.496+2491A>G (NM_001406786.1, NM_001406783.1); c.338-3911A>G (NM_001406778.1, NM_001406775.1, NM_001406776.1 and 1 more transcripts); c.337+4398A>G (NM_001406790.1, NM_001406788.1, NM_001406789.1 and 1 more transcripts); and 2 more; short protein forms E11G, E222G, E169G, E265G.
Identifiers: ClinVar variation 3432203 (VCV003432203.1).

ClinVar aggregate classification (germline): Uncertain significance (1 of 4 stars; one submission).

Conditions:
Hereditary cancer-predisposing syndrome. Also called: Neoplastic Syndromes, Hereditary; Tumor predisposition; Hereditary Cancer Syndrome; Hereditary neoplastic syndrome. Identifiers: Orphanet 140162, MedGen C0027672, MeSH D009386, MONDO:0015356.

Submission:

Ambry Genetics
Classification: Uncertain significance for Hereditary cancer-predisposing syndrome. Last evaluated: 2024-08-09. Review status: criteria provided, single submitter. Criteria: Ambry Variant Classification Scheme 2023. Collection method: clinical testing. Allele origin: germline.
Comment: The p.E265G variant (also known as c.794A>G), located in coding exon 4 of the RET gene, results from an A to G substitution at nucleotide position 794. The glutamic acid at codon 265 is replaced by glycine, an amino acid with similar properties. This amino acid position is conserved. In addition, the in silico prediction for this alteration is inconclusive. Based on the available evidence, the clinical significance of this variant remains unclear.